The following is an entry in ClinVar:

ClinVar aggregate classification (germline): Uncertain significance. Review status: criteria provided, multiple submitters, no conflicts (2 of 4 stars). 2 submissions from 2 submitters: Uncertain significance (2). Last evaluated 2024-11-28.

Conditions:
Neuroblastoma, susceptibility to, 3. Also called: ALK-Related Neuroblastic Tumor Susceptibility. Identifiers: Orphanet 635, MedGen C2751681, MONDO:0013083, OMIM 613014.
Hereditary cancer-predisposing syndrome. Also called: Neoplastic Syndromes, Hereditary; Hereditary neoplastic syndrome; Tumor predisposition; Hereditary Cancer Syndrome. Identifiers: Orphanet 140162, MedGen C0027672, MeSH D009386, MONDO:0015356.

Submissions (2):

Ambry Genetics
Classification: Uncertain significance for Hereditary cancer-predisposing syndrome. Last evaluated: 2024-11-28. Review status: criteria provided, single submitter. Criteria: Ambry Variant Classification Scheme 2023. Collection method: clinical testing. Allele origin: germline.
Comment: The p.H281R variant (also known as c.842A>G), located in coding exon 3 of the ALK gene, results from an A to G substitution at nucleotide position 842. The histidine at codon 281 is replaced by arginine, an amino acid with highly similar properties. This amino acid position is conserved. In addition, this alteration is predicted to be tolerated by in silico analysis. Based on the available evidence, the clinical significance of this variant remains unclear.

Labcorp Genetics (formerly Invitae), Labcorp
Classification: Uncertain significance for Neuroblastoma, susceptibility to, 3. Last evaluated: 2023-03-16. Review status: criteria provided, single submitter. Criteria: Invitae Variant Classification Sherloc (09022015). Collection method: clinical testing. Allele origin: germline.
Comment: An algorithm developed to predict the effect of missense changes on protein structure and function (PolyPhen-2) suggests that this variant is likely to be tolerated. ClinVar contains an entry for this variant (Variation ID: 843056). This variant has not been reported in the literature in individuals affected with ALK-related conditions. This variant is not present in population databases (gnomAD no frequency). This sequence change replaces histidine, which is basic and polar, with arginine, which is basic and polar, at codon 281 of the ALK protein (p.His281Arg). In summary, the available evidence is currently insufficient to determine the role of this variant in disease. Therefore, it has been classified as a Variant of Uncertain Significance.

NM_004304.5(ALK):c.842A>G (p.His281Arg)

Gene: ALK (ALK receptor tyrosine kinase; minus strand). Cytogenetic location: 2p23.2.
Variant type: single nucleotide variant.
Coding change: c.842A>G on transcript NM_004304.5 (MANE Select); coding-DNA position 842, A replaced by G.
Protein change: p.His281Arg; replaces histidine 281 with arginine.
Molecular consequence: missense variant.
Genome position (GRCh38, 1-based): chr2:29,694,960, T>C on the plus strand (A>G on the coding strand, the complement: ALK is on the minus strand). VCF-style: chr2-29694960-T-C. GRCh37 (hg19) VCF-style: chr2-29917826-T-C.
Other names: short protein forms H281R.
Identifiers: ClinVar variation 843056 (VCV000843056.10), dbSNP rs1678510762, ClinGen allele CA346587033.